The following is an entry in ClinVar:

NM_130839.5(UBE3A):c.47T>C (p.Ile16Thr)

Genes: SNHG14 (small nucleolar RNA host gene 14; plus strand), UBE3A (ubiquitin protein ligase E3A; minus strand). Cytogenetic location: 15q11.2.
Variant type: single nucleotide variant.
Coding change: c.47T>C on transcript NM_130839.5 (MANE Select); coding-DNA position 47, T replaced by C.
Protein change: p.Ile16Thr; replaces isoleucine 16 with threonine.
Molecular consequence: missense variant. On other transcripts: 5 prime UTR variant (21), non-coding transcript variant (1), intron variant (1).
Genome position (GRCh38, 1-based): chr15:25,405,476, A>G on the plus strand (T>C on the coding strand, the complement: UBE3A is on the minus strand). VCF-style: chr15-25405476-A-G. GRCh37 (hg19) VCF-style: chr15-25650623-A-G.
Other names: c.56T>C, p.Ile19Thr (NM_000462.5); c.47T>C, p.Ile16Thr (NM_001354505.1, NM_001354538.2, NM_001354545.2 and 1 more transcripts); c.-14T>C (NM_001354506.2, NM_001354507.2, NM_001354508.2 and 17 more transcripts); c.-127T>C (NM_001354523.2); c.-115-29713T>C (NM_001354546.2); short protein forms I16T, I19T.
Identifiers: ClinVar variation 3898871 (VCV003898871.1).

ClinVar aggregate classification (germline): Uncertain significance (1 of 4 stars; one submission).

gnomAD v4.1: 8 of 1,613,874 alleles (0.0005%); highest among the groups gnomAD compares: Non-Finnish European, 0.00025%; no homozygotes.

Submission:

GeneDx
Classification: Uncertain significance. Last evaluated: 2024-11-10. Review status: criteria provided, single submitter. Criteria: GeneDx Variant Classification Process June 2021. Collection method: clinical testing. Allele origin: germline. Affected: yes.
Comment: In silico analysis indicates that this missense variant does not alter protein structure/function; Has not been previously published as pathogenic or benign to our knowledge; Located in an alternate transcript of the gene